The following is an entry in ClinVar:

ClinVar aggregate classification (germline): Likely benign. Review status: criteria provided, multiple submitters, no conflicts (2 of 4 stars). 6 submissions from 6 submitters: Likely benign (6). Last evaluated 2025-09-02.

Conditions:
Hereditary cancer-predisposing syndrome. Also called: Tumor predisposition; Hereditary Cancer Syndrome; Neoplastic Syndromes, Hereditary; Hereditary neoplastic syndrome. Identifiers: Orphanet 140162, MedGen C0027672, MeSH D009386, MONDO:0015356.
Hereditary breast ovarian cancer syndrome. Also called: Hereditary breast and ovarian cancer; Hereditary breast and ovarian cancer syndrome (HBOC); Hereditary breast and ovarian cancer syndrome; BRCA1- and BRCA2-Associated Hereditary Breast and Ovarian Cancer; Hereditary breast and/or ovarian cancer syndrome; Breast and ovarian cancer. Identifiers: Orphanet 145, MedGen C0677776, MeSH D061325, MONDO:0003582. Disease mechanism: loss of function.
Microcephaly, normal intelligence and immunodeficiency (NBS). Also called: BERLIN BREAKAGE SYNDROME; Nijmegen breakage syndrome; Microcephaly with normal intelligence immunodeficiency and lymphoreticular malignancies; Nonsyndromal microcephaly autosomal recessive with normal intelligence; Seemanova syndrome 2; Ataxia telangiectasia variant V1. Identifiers: Orphanet 647, MedGen C0398791, MONDO:0009623, OMIM 251260.

Allele frequency attached by ClinVar (database versions not stated): TOPMed below 0.00001.
gnomAD v4.1: 10 of 1,613,794 alleles (0.00062%); highest among the groups gnomAD compares: Middle Eastern, 0.016%; no homozygotes.

Submissions (6):

Institute for Biomarker Research, Medical Diagnostic Laboratories, L.L.C.
Classification: Likely benign for Hereditary cancer-predisposing syndrome. Last evaluated: 2025-09-02. Review status: criteria provided, single submitter. Criteria: ACMG Guidelines, 2015. Collection method: clinical testing. Allele origin: germline.
Comment: The synonymous variant NM_002485.5(NBN):c.750G>A (p.Arg250=) has been reported to ClinVar as Likely benign with a status of (2 stars) criteria provided, multiple submitters, no conflicts (Variation ID 483980 as of 2025-08-07). The p.Arg250= variant is not predicted to disrupt an existing splice site. The p.Arg250= variant results in a substitution of a base that is not predicted conserved by GERP++ and PhyloP. For these reasons, this variant has been classified as Likely Benign.

Labcorp Genetics (formerly Invitae), Labcorp
Classification: Likely benign for Microcephaly, normal intelligence and immunodeficiency. Last evaluated: 2025-01-29. Review status: criteria provided, single submitter. Criteria: Invitae Variant Classification Sherloc (09022015). Collection method: clinical testing. Allele origin: germline.

National Health Laboratory Service, Universitas Academic Hospital and University of the Free State
Classification: Likely benign for Hereditary breast ovarian cancer syndrome. Last evaluated: 2022-04-19. Review status: criteria provided, single submitter. Criteria: ACMG Guidelines, 2015. Collection method: clinical testing. Allele origin: germline. Affected: yes. Observed: 1 variant allele.

GeneDx
Classification: Likely benign. Last evaluated: 2019-05-20. Review status: criteria provided, single submitter. Criteria: GeneDx Variant Classification Process June 2021. Collection method: clinical testing. Allele origin: germline. Affected: yes.

Blueprint Genetics
Classification: Likely benign. Last evaluated: 2019-03-18. Review status: criteria provided, single submitter. Criteria: ACMG Guidelines, 2015. Collection method: clinical testing. Allele origin: germline.

Ambry Genetics
Classification: Likely benign for Hereditary cancer-predisposing syndrome. Last evaluated: 2016-11-12. Review status: criteria provided, single submitter. Criteria: Ambry Variant Classification Scheme 2023. Collection method: clinical testing. Allele origin: germline.

NM_002485.5(NBN):c.750G>A (p.Arg250=)

Gene: NBN (nibrin; minus strand). Cytogenetic location: 8q21.3.
Variant type: single nucleotide variant.
Coding change: c.750G>A on transcript NM_002485.5 (MANE Select); coding-DNA position 750, G replaced by A.
Protein change: p.Arg250=; no amino-acid change (arginine 250 retained).
Molecular consequence: synonymous variant.
Genome position (GRCh38, 1-based): chr8:89,970,510, C>T on the plus strand (G>A on the coding strand, the complement: NBN is on the minus strand). VCF-style: chr8-89970510-C-T. GRCh37 (hg19) VCF-style: chr8-90982738-C-T.
Other names: NP_002476.2:p.Arg250=; c.504G>A, p.Arg168= (NM_001024688.3).
Identifiers: ClinVar variation 483980 (VCV000483980.23), dbSNP rs758852942, ClinGen allele CA461830883.